The following is an entry in ClinVar:

NM_000138.5(FBN1):c.2204C>G (p.Pro735Arg)

Gene: FBN1 (fibrillin 1; minus strand). Cytogenetic location: 15q21.1.
Variant type: single nucleotide variant.
Coding change: c.2204C>G on transcript NM_000138.5 (MANE Select); coding-DNA position 2204, C replaced by G.
Protein change: p.Pro735Arg; replaces proline 735 with arginine.
Molecular consequence: missense variant.
Genome position (GRCh38, 1-based): chr15:48,497,355, G>C on the plus strand (C>G on the coding strand, the complement: FBN1 is on the minus strand). VCF-style: chr15-48497355-G-C. GRCh37 (hg19) VCF-style: chr15-48789552-G-C.
Other names: c.2204C>G, p.Pro735Arg (NM_001406716.1); short protein forms P735R.
Identifiers: ClinVar variation 2773379 (VCV002773379.2), dbSNP rs2505576388, ClinGen allele CA392335775.

ClinVar aggregate classification (germline): Uncertain significance (1 of 4 stars; one submission).

Conditions:
Familial thoracic aortic aneurysm and aortic dissection (TAAD). Also called: Thoracic aortic aneurysms and dissections. Identifiers: Orphanet 91387, MedGen C4707243, MONDO:0019625.

Allele frequency attached by ClinVar (database versions not stated): gnomAD exomes below 0.00001.
gnomAD v4.1: 1 of 1,613,704 alleles (0.000062%); highest among the groups gnomAD compares: Middle Eastern, 0.017%; no homozygotes.

Submission:

Color Diagnostics, LLC DBA Color Health
Classification: Uncertain significance for Familial thoracic aortic aneurysm and aortic dissection. Last evaluated: 2024-03-06. Review status: criteria provided, single submitter. Criteria: ACMG Guidelines, 2015. Collection method: clinical testing. Allele origin: germline.
Comment: This missense variant replaces proline with arginine at codon 735 of the FBN1 protein. Computational prediction suggests that this variant may not impact protein structure and function (internally defined REVEL score threshold <= 0.5, PMID: 27666373). To our knowledge, functional studies have not been reported for this variant. This variant has not been reported in individuals affected with cardiovascular disorders in the literature. This variant has not been identified in the general population by the Genome Aggregation Database (gnomAD). The available evidence is insufficient to determine the role of this variant in disease conclusively. Therefore, this variant is classified as a Variant of Uncertain Significance.